The following is an entry in ClinVar:

ClinVar aggregate classification (germline): Conflicting classifications of pathogenicity. Review status: criteria provided, conflicting classifications (1 of 4 stars). 2 submissions from 2 submitters: Uncertain significance (1); Likely benign (1). Last evaluated 2025-04-24.

Conditions:
Genitopatellar syndrome (GTPTS). Also called: ABSENT PATELLAE, SCROTAL HYPOPLASIA, RENAL ANOMALIES, FACIAL DYSMORPHISM, AND MENTAL RETARDATION; Genitopatellar syndrome (GPS). Identifiers: Orphanet 85201, MedGen C1853566, MONDO:0011640, OMIM 606170.

gnomAD v4.1: 42 of 1,614,114 alleles (0.0026%); highest among the groups gnomAD compares: Non-Finnish European, 0.0035%; no homozygotes.

Submissions (2):

Labcorp Genetics (formerly Invitae), Labcorp
Classification: Likely benign for Genitopatellar syndrome. Last evaluated: 2025-04-24. Review status: criteria provided, single submitter. Criteria: Invitae Variant Classification Sherloc (09022015). Collection method: clinical testing. Allele origin: germline.

Women's Health and Genetics/Laboratory Corporation of America, LabCorp
Classification: Uncertain significance. Last evaluated: 2025-01-07. Review status: criteria provided, single submitter. Criteria: LabCorp Variant Classification Summary - May 2015. Collection method: clinical testing. Allele origin: germline.
Comment: Variant summary: KAT6B c.4968A>G alters a conserved nucleotide resulting in a synonymous change. Several computational tools predict a significant impact on normal splicing: Two predict the variant creates a 3' acceptor site. However, these predictions have yet to be confirmed by functional studies. The variant allele was found at a frequency of 4e-06 in 251468 control chromosomes. The available data on variant occurrences in the general population are insufficient to allow any conclusion about variant significance. To our knowledge, no occurrence of c.4968A>G in individuals affected with KAT6B-Related Spectrum Disorders and no experimental evidence demonstrating its impact on protein function have been reported. No submitters have cited clinical-significance assessments for this variant to ClinVar. Based on the evidence outlined above, the variant was classified as uncertain significance.

NM_012330.4(KAT6B):c.4968A>G (p.Ser1656=)

Gene: KAT6B (lysine acetyltransferase 6B; plus strand). Cytogenetic location: 10q22.2.
Variant type: single nucleotide variant.
Coding change: c.4968A>G on transcript NM_012330.4 (MANE Select); coding-DNA position 4968, A replaced by G.
Protein change: p.Ser1656=; no amino-acid change (serine 1656 retained).
Molecular consequence: synonymous variant.
Genome position (GRCh38, 1-based): chr10:75,029,792, A>G. VCF-style: chr10-75029792-A-G. GRCh37 (hg19) VCF-style: chr10-76789550-A-G.
Other names: c.4419A>G, p.Ser1473= (NM_001256468.2, NM_001370138.1); c.4092A>G, p.Ser1364= (NM_001256469.2, NM_001370139.1, NM_001370140.1 and 2 more transcripts); c.3930A>G, p.Ser1310= (NM_001370132.1); c.3279A>G, p.Ser1093= (NM_001370133.1); c.2883A>G, p.Ser961= (NM_001370134.1); c.2625A>G, p.Ser875= (NM_001370135.1); c.4968A>G, p.Ser1656= (NM_001370136.1, NM_001370137.1); c.3903A>G, p.Ser1301= (NM_001370143.1, NM_001370144.1).
Identifiers: ClinVar variation 3769207 (VCV003769207.3).